The following is an entry in ClinVar:

ClinVar aggregate classification (germline): Likely pathogenic (1 of 4 stars; one submission).

Conditions:
Childhood apraxia of speech (SPCH1). Also called: DEVELOPMENTAL VERBAL DYSPRAXIA; SPEECH AND LANGUAGE DISORDER WITH OROFACIAL DYSPRAXIA; FOXP2-Related Speech and Language Disorder; Speech language disorder. Identifiers: Orphanet 209908, MedGen C0750927, MONDO:0011184, OMIM 602081.

Allele frequency attached by ClinVar (database versions not stated): TOPMed below 0.00001; gnomAD 0.00001.
gnomAD v4.1: 1 of 1,613,814 alleles (0.000062%); no homozygotes.

Submission:

Illumina Laboratory Services, Illumina
Classification: Likely pathogenic for FOXP2-related speech and language disorders. Last evaluated: 2020-11-18. Review status: criteria provided, single submitter. Criteria: ICSLVariantClassificationCriteria RUGD 01 April 2020. Collection method: clinical testing. Allele origin: unknown.
Comment: The FOXP2 c.1125G>A (p.Trp375Ter) variant is a stop-gained variant that is predicted to result in a premature termination of the protein. A literature search was performed for the gene, cDNA change, and amino acid change. No publications were found based on this search. This variant is not found in the Genome Aggregation Database in a region of good sequencing coverage, so the variant is presumed to be rare. Based on the predicted truncating nature of the variant and its rarity, the p.Trp375Ter variant is classified as likely pathogenic for FOXP2-related speech and language disorders.

NM_014491.4(FOXP2):c.1050G>A (p.Trp350Ter)

Gene: FOXP2 (forkhead box P2; plus strand). Cytogenetic location: 7q31.1.
Variant type: single nucleotide variant.
Coding change: c.1050G>A on transcript NM_014491.4 (MANE Select); coding-DNA position 1050, G replaced by A.
Protein change: p.Trp350Ter; replaces tryptophan 350 with a stop codon.
Molecular consequence: nonsense. On other transcripts: non-coding transcript variant (2).
Genome position (GRCh38, 1-based): chr7:114,644,745, G>A. VCF-style: chr7-114644745-G-A. GRCh37 (hg19) VCF-style: chr7-114284800-G-A.
Other names: c.1047G>A, p.Trp349Ter (NM_001172766.3); c.1125G>A, p.Trp375Ter (NM_001172767.2, NM_148898.4); c.1050G>A, p.Trp350Ter (NM_148899.3); c.1101G>A, p.Trp367Ter (NM_148900.4); short protein forms W349*, W350*, W367*, W375*.
Identifiers: ClinVar variation 1199227 (VCV001199227.4), dbSNP rs1349250538, ClinGen allele CA368964018.